The following is an entry in ClinVar:

ClinVar aggregate classification (germline): Likely benign. Review status: criteria provided, multiple submitters, no conflicts (2 of 4 stars). 4 submissions from 4 submitters: Likely benign (4). Last evaluated 2025-12-19.

Conditions:
Immunodeficiency, common variable, 7. Identifiers: Orphanet 1572, Orphanet 696894, MedGen C3542922, MONDO:0013862, OMIM 614699.

Allele frequency attached by ClinVar (database versions not stated): gnomAD 0.00002 and 0.00003; TOPMed 0.00004.
gnomAD v4.1: 48 of 1,613,858 alleles (0.003%); highest among the groups gnomAD compares: Middle Eastern, 0.066%; no homozygotes.

Submissions (4):

Labcorp Genetics (formerly Invitae), Labcorp
Classification: Likely benign for Immunodeficiency, common variable, 7. Last evaluated: 2025-12-19. Review status: criteria provided, single submitter. Criteria: Invitae Variant Classification Sherloc (09022015). Collection method: clinical testing. Allele origin: germline.

Blueprint Genetics
Classification: Likely benign. Last evaluated: 2024-11-04. Review status: criteria provided, single submitter. Criteria: ACMG Guidelines, 2015. Collection method: clinical testing. Allele origin: germline.

Genome-Nilou Lab
Classification: Likely benign for Immunodeficiency, common variable, 7. Last evaluated: 2023-04-11. Review status: criteria provided, single submitter. Criteria: ACMG Guidelines, 2015. Collection method: clinical testing. Allele origin: germline. Affected: no.

CeGaT Center for Human Genetics Tuebingen
Classification: Likely benign. Last evaluated: 2022-09-01. Review status: criteria provided, single submitter. Criteria: CeGaT Center For Human Genetics Tuebingen Variant Classification Criteria Version 2. Collection method: clinical testing. Allele origin: germline. Affected: yes. Observed: 1 variant allele.
Comment: CR2: BP4, BP7

NM_001006658.3(CR2):c.621C>T (p.Pro207=)

Gene: CR2 (complement C3d receptor 2; plus strand). Cytogenetic location: 1q32.2.
Variant type: single nucleotide variant.
Coding change: c.621C>T on transcript NM_001006658.3 (MANE Select); coding-DNA position 621, C replaced by T.
Protein change: p.Pro207=; no amino-acid change (proline 207 retained).
Molecular consequence: synonymous variant.
Genome position (GRCh38, 1-based): chr1:207,468,702, C>T. VCF-style: chr1-207468702-C-T. GRCh37 (hg19) VCF-style: chr1-207642047-C-T.
Other names: c.621C>T, p.Pro207= (NM_001877.5).
Identifiers: ClinVar variation 759204 (VCV000759204.34), dbSNP rs573346582, ClinGen allele CA1368472.